The following is an entry in ClinVar:

ClinVar aggregate classification (germline): Conflicting classifications of pathogenicity. Review status: criteria provided, conflicting classifications (1 of 4 stars). 8 submissions from 8 submitters: Uncertain significance (1); Benign (2); Likely benign (5). Last evaluated 2025-11-09.

Conditions:
Inborn genetic diseases. Identifiers: MedGen C0950123, MeSH D030342.
Neuropathy, hereditary sensory, type 2C. Also called: Hereditary sensory and autonomic neuropathy type IIC; KIF1A-Related HSAN2 (HSAN2C). Identifiers: Orphanet 970, MedGen C3280168, MONDO:0013634, OMIM 614213.
Intellectual disability, autosomal dominant 9 (NESCAVS). Also called: NESCAV SYNDROME; KIF1A-Related Neurodevelopmental Disorder. Identifiers: Orphanet 662367, MedGen C5393830, MONDO:0013656, OMIM 614255.
Hereditary spastic paraplegia 30. Identifiers: Orphanet 101010, MedGen C5235139, MONDO:0012476.
Hereditary spastic paraplegia. Also called: Familial spastic paraparesis. Identifiers: Orphanet 685, MedGen C0037773, MONDO:0019064. Disease mechanism: loss of function.

Allele frequency attached by ClinVar (database versions not stated): 1000 Genomes Project 30x 0.00016; TOPMed 0.00018; 1000 Genomes Project 0.00020; ESP Exome Variant Server 0.00032.
gnomAD v4.1: 408 of 1,583,062 alleles (0.026%); highest among the groups gnomAD compares: Non-Finnish European, 0.032%; 1 homozygote.

Submissions (8):

Labcorp Genetics (formerly Invitae), Labcorp
Classification: Benign for Hereditary spastic paraplegia 30; Neuropathy, hereditary sensory, type 2C; Intellectual disability, autosomal dominant 9. Last evaluated: 2025-11-09. Review status: criteria provided, single submitter. Criteria: Invitae Variant Classification Sherloc (09022015). Collection method: clinical testing. Allele origin: germline.

CeGaT Center for Human Genetics Tuebingen
Classification: Likely benign. Last evaluated: 2024-11-01. Review status: criteria provided, single submitter. Criteria: CeGaT Center For Human Genetics Tuebingen Variant Classification Criteria Version 2. Collection method: clinical testing. Allele origin: germline. Affected: yes. Observed: 6 variant alleles.
Comment: KIF1A: BP4, BP7

Athena Diagnostics
Classification: Benign. Last evaluated: 2024-10-11. Review status: criteria provided, single submitter. Criteria: Athena Diagnostics Criteria. Collection method: clinical testing. Allele origin: unknown.

Blueprint Genetics
Classification: Likely benign. Last evaluated: 2024-09-13. Review status: criteria provided, single submitter. Criteria: ACMG Guidelines, 2015. Collection method: clinical testing. Allele origin: germline.

Genome Diagnostics Laboratory, The Hospital for Sick Children
Classification: Uncertain significance for Hereditary spastic paraplegia. Last evaluated: 2021-05-18. Review status: criteria provided, single submitter. Criteria: ACMG Guidelines, 2015. Collection method: clinical testing. Allele origin: germline. Affected: yes.

GeneDx
Classification: Likely benign. Last evaluated: 2020-10-06. Review status: criteria provided, single submitter. Criteria: GeneDx Variant Classification Process June 2021. Collection method: clinical testing. Allele origin: germline. Affected: yes.

Genetic Services Laboratory, University of Chicago
Classification: Likely benign. Last evaluated: 2018-06-20. Review status: criteria provided, single submitter. Criteria: ACMG Guidelines, 2015. Collection method: clinical testing. Allele origin: germline. Affected: no.

Ambry Genetics
Classification: Likely benign for Inborn genetic diseases. Last evaluated: 2016-06-16. Review status: criteria provided, single submitter. Criteria: Ambry Variant Classification Scheme 2023. Collection method: clinical testing. Allele origin: germline.

NM_001244008.2(KIF1A):c.3132C>A (p.Ile1044=)

Gene: KIF1A (kinesin family member 1A; minus strand). Cytogenetic location: 2q37.3.
Variant type: single nucleotide variant.
Coding change: c.3132C>A on transcript NM_001244008.2 (MANE Select); coding-DNA position 3132, C replaced by A.
Protein change: p.Ile1044=; no amino-acid change (isoleucine 1044 retained).
Molecular consequence: synonymous variant.
Genome position (GRCh38, 1-based): chr2:240,746,109, G>T on the plus strand (C>A on the coding strand, the complement: KIF1A is on the minus strand). VCF-style: chr2-240746109-G-T. GRCh37 (hg19) VCF-style: chr2-241685526-G-T.
Other names: c.2856C>A, p.Ile952= (NM_001320705.2, NM_001330289.2, NM_001379638.1); c.2931C>A, p.Ile977= (NM_001330290.2, NM_001379634.1, NM_001379635.1 and 1 more transcripts); c.3207C>A, p.Ile1069= (NM_001379631.1); c.3081C>A, p.Ile1027= (NM_001379632.1); c.3105C>A, p.Ile1035= (NM_001379633.1, NM_001379642.1, NM_001379645.1); c.2829C>A, p.Ile943= (NM_001379636.1, NM_001379639.1, NM_001379640.1 and 6 more transcripts); c.2904C>A, p.Ile968= (NM_001379637.1, NM_001379648.1); c.3132C>A (NM_001244008.1).
Identifiers: ClinVar variation 388175 (VCV000388175.94), dbSNP rs373045276, ClinGen allele CA2207897.